The following is an entry in ClinVar:

NM_006767.4(LZTR1):c.791+91A>G

Gene: LZTR1 (leucine zipper like post translational regulator 1; plus strand). Cytogenetic location: 22q11.21.
Variant type: single nucleotide variant.
Coding change: c.791+91A>G on transcript NM_006767.4 (MANE Select); 91 bases into the intron after coding-DNA position 791, A replaced by G.
Molecular consequence: intron variant.
Genome position (GRCh38, 1-based): chr22:20,990,616, A>G. VCF-style: chr22-20990616-A-G. GRCh37 (hg19) VCF-style: chr22-21344905-A-G.
Identifiers: ClinVar variation 561412 (VCV000561412.2), dbSNP rs178290, ClinGen allele CA14934943.

ClinVar aggregate classification (germline): Benign. Review status: criteria provided, multiple submitters, no conflicts (2 of 4 stars). 2 submissions from 2 submitters: Benign (2). Last evaluated 2018-06-14.

Allele frequency attached by ClinVar (database versions not stated): 1000 Genomes Project 0.71206; 1000 Genomes Project 30x 0.71783; gnomAD 0.73752 and 0.74071; TOPMed 0.75407; gnomAD exomes 0.75831.
gnomAD v4.1: 1,027,281 of 1,359,724 alleles (76%); highest among the groups gnomAD compares: Admixed American, 85%; 389,877 homozygotes.

Submissions (2):

GeneDx
Classification: Benign. Last evaluated: 2018-06-14. Review status: criteria provided, single submitter. Criteria: GeneDx Variant Classification (06012015). Collection method: clinical testing. Allele origin: germline. Affected: yes.
Comment: This variant is considered likely benign or benign based on one or more of the following criteria: it is a conservative change, it occurs at a poorly conserved position in the protein, it is predicted to be benign by multiple in silico algorithms, and/or has population frequency not consistent with disease.

Breakthrough Genomics
Classification: Benign. Review status: criteria provided, single submitter. Criteria: ACMG Guidelines, 2015. Collection method: not provided. Allele origin: germline. Inheritance: Autosomal recessive inheritance. Affected: yes.